The following is an entry in ClinVar:

NM_001163809.2(WDR81):c.5813G>A (p.Arg1938His)

Gene: WDR81 (WD repeat domain 81; plus strand). Cytogenetic location: 17p13.3.
Variant type: single nucleotide variant.
Coding change: c.5813G>A on transcript NM_001163809.2 (MANE Select); coding-DNA position 5813, G replaced by A.
Protein change: p.Arg1938His; replaces arginine 1938 with histidine.
Molecular consequence: missense variant.
Genome position (GRCh38, 1-based): chr17:1,737,672, G>A. VCF-style: chr17-1737672-G-A. GRCh37 (hg19) VCF-style: chr17-1640966-G-A.
Other names: c.2204G>A, p.Arg735His (NM_001163673.2); c.2132G>A, p.Arg711His (NM_001163811.2); c.2660G>A, p.Arg887His (NM_152348.4); short protein forms R1938H, R711H, R735H, R887H.
Identifiers: ClinVar variation 1699631 (VCV001699631.2), dbSNP rs778706517, ClinGen allele CA8273982.

ClinVar aggregate classification (germline): Uncertain significance (1 of 4 stars; one submission).

Allele frequency attached by ClinVar (database versions not stated): gnomAD exomes 0.00001 and 0.00002; ExAC 0.00003; gnomAD 0.00004; TOPMed 0.00005.
gnomAD v4.1: 23 of 1,609,374 alleles (0.0014%); highest among the groups gnomAD compares: Admixed American, 0.0033%; no homozygotes.

Submission:

GeneDx
Classification: Uncertain significance. Last evaluated: 2022-01-31. Review status: criteria provided, single submitter. Criteria: GeneDx Variant Classification Process June 2021. Collection method: clinical testing. Allele origin: germline. Affected: yes.
Comment: Not observed at significant frequency in large population cohorts (gnomAD); In silico analysis supports that this missense variant does not alter protein structure/function; Has not been previously published as pathogenic or benign to our knowledge